The following is an entry in ClinVar:

ClinVar aggregate classification (germline): Conflicting classifications of pathogenicity. Review status: criteria provided, conflicting classifications (1 of 4 stars). 2 submissions from 2 submitters: Uncertain significance (1); Likely benign (1). Last evaluated 2025-06-01.

gnomAD v4.1: 7 of 1,613,120 alleles (0.00043%); highest among the groups gnomAD compares: African/African-American, 0.008%; no homozygotes.

Submissions (2):

CeGaT Center for Human Genetics Tuebingen
Classification: Likely benign. Last evaluated: 2025-06-01. Review status: criteria provided, single submitter. Criteria: CeGaT Center For Human Genetics Tuebingen Variant Classification Criteria Version 2. Collection method: clinical testing. Allele origin: germline. Affected: yes. Observed: 1 variant allele.
Comment: TP63: BP4

Blueprint Genetics
Classification: Uncertain significance. Last evaluated: 2023-08-03. Review status: criteria provided, single submitter. Criteria: ACMG Guidelines, 2015. Collection method: clinical testing. Allele origin: germline.

NM_003722.5(TP63):c.1212+6T>C

Gene: TP63 (tumor protein p63; plus strand). Cytogenetic location: 3q28.
Variant type: single nucleotide variant.
Coding change: c.1212+6T>C on transcript NM_003722.5 (MANE Select); 6 bases into the intron after coding-DNA position 1212, T replaced by C.
Molecular consequence: intron variant.
Genome position (GRCh38, 1-based): chr3:189,869,412, T>C. VCF-style: chr3-189869412-T-C. GRCh37 (hg19) VCF-style: chr3-189587201-T-C.
Other names: c.1206+6T>C (NM_001329964.2); c.1212+6T>C (NM_001114978.2, NM_001329144.2, NM_001114979.2); c.1200+6T>C (NM_001329148.2); c.930+6T>C (NM_001114980.2, NM_001114981.2, NM_001329145.2 and 1 more transcripts); c.918+6T>C (NM_001329149.2); c.675+6T>C (NM_001329146.2); c.663+6T>C (NM_001329150.2).
Identifiers: ClinVar variation 4084389 (VCV004084389.9).